The following is an entry in ClinVar:

NM_001365276.2(TNXB):c.7315G>C (p.Asp2439His)

Gene: TNXB (tenascin XB; minus strand). Cytogenetic location: 6p21.33.
Variant type: single nucleotide variant.
Coding change: c.7315G>C on transcript NM_001365276.2 (MANE Select); coding-DNA position 7315, G replaced by C.
Protein change: p.Asp2439His; replaces aspartic acid 2439 with histidine.
Molecular consequence: missense variant.
Genome position (GRCh38, 1-based): chr6:32,061,574, C>G on the plus strand (G>C on the coding strand, the complement: TNXB is on the minus strand). VCF-style: chr6-32061574-C-G. GRCh37 (hg19) VCF-style: chr6-32029351-C-G.
Other names: c.8056G>C, p.Asp2686His (NM_001428335.1); c.7315G>C, p.Asp2439His (NM_019105.8); short protein forms D2686H, D2439H.
Identifiers: ClinVar variation 3572680 (VCV003572680.1).
Genomic context (GRCh38, chr6:32,061,574, plus strand): 5'-CCCCAACACGCACCACCTGGGGCCGCCCGTCCCTGTCCTTGTACTGCACGGTGAAGGAGT[C>G]GAAGCGGCCCTGGGGGACGGTCCAGGAGAGGCTCAGCGAGTCAGGGGAGGATCCTGTCAC-3'
Protein context (NP_001352205.1, residues 2429-2449): LSWTVPQGRF[Asp2439His]SFTVQYKDRD

ClinVar aggregate classification (germline): Uncertain significance (1 of 4 stars; one submission).

Submission:

GeneDx
Classification: Uncertain significance. Last evaluated: 2024-07-08. Review status: criteria provided, single submitter. Criteria: GeneDx Variant Classification Process June 2021. Collection method: clinical testing. Allele origin: germline. Affected: yes.
Comment: Not observed at significant frequency in large population cohorts (gnomAD); In silico analysis supports that this missense variant has a deleterious effect on protein structure/function; Has not been previously published as pathogenic or benign to our knowledge